The following is an entry in ClinVar:

NM_152327.5(AK7):c.1385G>C (p.Arg462Thr)

Gene: AK7 (adenylate kinase 7; plus strand). Cytogenetic location: 14q32.2.
Variant type: single nucleotide variant.
Coding change: c.1385G>C on transcript NM_152327.5 (MANE Select); coding-DNA position 1385, G replaced by C.
Protein change: p.Arg462Thr; replaces arginine 462 with threonine.
Molecular consequence: missense variant. On other transcripts: intron variant (1).
Genome position (GRCh38, 1-based): chr14:96,471,505, G>C. VCF-style: chr14-96471505-G-C. GRCh37 (hg19) VCF-style: chr14-96937842-G-C.
Other names: c.1385G>C, p.Arg462Thr (NM_001350888.2, NM_001350890.2); c.1307G>C, p.Arg436Thr (NM_001350891.2); c.1358-6960G>C (NM_001350892.2); short protein forms R436T, R462T.
Identifiers: ClinVar variation 1506768 (VCV001506768.6), dbSNP rs2140155575, ClinGen allele CA390919951.
Genomic context (GRCh38, chr14:96,471,505, plus strand): 5'-TAAGTAATATATACATATATGTTTTTTTATCAGGTCAACTAGACGATCAATATATAATTA[G>C]ATTTATGAAAGAAAAGCTAAAATCAATGCCTTGCAGGAATCAAGGTTATATTTTGGATGG-3'
Protein context (NP_689540.2, residues 452-472): AGQLDDQYII[Arg462Thr]FMKEKLKSMP

ClinVar aggregate classification (germline): Uncertain significance (1 of 4 stars; one submission).

Submission:

Labcorp Genetics (formerly Invitae), Labcorp
Classification: Uncertain significance. Last evaluated: 2021-11-03. Review status: criteria provided, single submitter. Criteria: Invitae Variant Classification Sherloc (09022015). Collection method: clinical testing. Allele origin: germline.
Comment: This sequence change replaces arginine, which is basic and polar, with threonine, which is neutral and polar, at codon 462 of the AK7 protein (p.Arg462Thr). This variant is not present in population databases (gnomAD no frequency). This variant has not been reported in the literature in individuals affected with AK7-related conditions. Algorithms developed to predict the effect of missense changes on protein structure and function are either unavailable or do not agree on the potential impact of this missense change (SIFT: "Deleterious"; PolyPhen-2: "Possibly Damaging"; Align-GVGD: "Class C0"). In summary, the available evidence is currently insufficient to determine the role of this variant in disease. Therefore, it has been classified as a Variant of Uncertain Significance.